The following is an entry in ClinVar:

NM_014989.7(RIMS1):c.4999C>A (p.Pro1667Thr)

Gene: RIMS1 (regulating synaptic membrane exocytosis 1; plus strand). Cytogenetic location: 6q13.
Variant type: single nucleotide variant.
Coding change: c.4999C>A on transcript NM_014989.7 (MANE Select); coding-DNA position 4999, C replaced by A.
Protein change: p.Pro1667Thr; replaces proline 1667 with threonine.
Molecular consequence: missense variant.
Genome position (GRCh38, 1-based): chr6:72,400,634, C>A. VCF-style: chr6-72400634-C-A. GRCh37 (hg19) VCF-style: chr6-73110336-C-A.
Other names: c.2959C>A, p.Pro987Thr (NM_001168407.2); c.2374C>A, p.Pro792Thr (NM_001168408.2, NM_001350430.2); c.2203C>A, p.Pro735Thr (NM_001168409.2); c.2401C>A, p.Pro801Thr (NM_001168410.2); c.580C>A, p.Pro194Thr (NM_001168411.2); c.2920C>A, p.Pro974Thr (NM_001350414.2); c.3016C>A, p.Pro1006Thr (NM_001350415.2); c.2965C>A, p.Pro989Thr (NM_001350416.2); and 54 more; short protein forms P1006T, P1025T, P765T, P791T, P843T, P884T, P903T, P913T.
Identifiers: ClinVar variation 1518418 (VCV001518418.6), dbSNP rs371351752, ClinGen allele CA3886644.
Genomic context (GRCh38, chr6:72,400,634, plus strand): 5'-GACCTGTCCAGCATGGTGATCGGATGGTACAAATTGTTCCCACCGTCCTCACTGGTGGAT[C>A]CCACACTCACTCCCCTCACCCGGCGGGCTTCCCAGTCATCTCTGGAAAGTTCAACTGGGC-3'
Protein context (NP_055804.2, residues 1657-1677): KLFPPSSLVD[Pro1667Thr]TLTPLTRRAS

ClinVar aggregate classification (germline): Uncertain significance (1 of 4 stars; one submission).

Allele frequency attached by ClinVar (database versions not stated): gnomAD 0.00001; gnomAD exomes 0.00001 and 0.00002; ExAC 0.00002; TOPMed 0.00003; ESP Exome Variant Server 0.00008.
gnomAD v4.1: 9 of 1,613,734 alleles (0.00056%); highest among the groups gnomAD compares: Non-Finnish European, 0.00076%; no homozygotes.

Submission:

Labcorp Genetics (formerly Invitae), Labcorp
Classification: Uncertain significance. Last evaluated: 2023-09-25. Review status: criteria provided, single submitter. Criteria: Invitae Variant Classification Sherloc (09022015). Collection method: clinical testing. Allele origin: germline.
Comment: This sequence change replaces proline, which is neutral and non-polar, with threonine, which is neutral and polar, at codon 1667 of the RIMS1 protein (p.Pro1667Thr). This variant is present in population databases (rs371351752, gnomAD 0.003%). This variant has not been reported in the literature in individuals affected with RIMS1-related conditions. ClinVar contains an entry for this variant (Variation ID: 1518418). An algorithm developed to predict the effect of missense changes on protein structure and function (PolyPhen-2) suggests that this variant is likely to be tolerated. In summary, the available evidence is currently insufficient to determine the role of this variant in disease. Therefore, it has been classified as a Variant of Uncertain Significance.